The following is an entry in ClinVar:

ClinVar aggregate classification (germline): Likely benign (1 of 4 stars; one submission).

Submission:

CeGaT Center for Human Genetics Tuebingen
Classification: Likely benign. Last evaluated: 2024-02-01. Review status: criteria provided, single submitter. Criteria: CeGaT Center For Human Genetics Tuebingen Variant Classification Criteria Version 2. Collection method: clinical testing. Allele origin: germline. Affected: yes. Observed: 1 variant allele.
Comment: WRN: PM2:Supporting, BP4, BP7

NM_000553.6(WRN):c.3282A>T (p.Val1094=)

Gene: WRN (WRN RecQ like helicase; plus strand). Cytogenetic location: 8p12.
Variant type: single nucleotide variant.
Coding change: c.3282A>T on transcript NM_000553.6 (MANE Select); coding-DNA position 3282, A replaced by T.
Protein change: p.Val1094=; no amino-acid change (valine 1094 retained).
Molecular consequence: synonymous variant.
Genome position (GRCh38, 1-based): chr8:31,142,674, A>T. VCF-style: chr8-31142674-A-T. GRCh37 (hg19) VCF-style: chr8-31000190-A-T.
Identifiers: ClinVar variation 3026158 (VCV003026158.22), dbSNP rs2536033457, ClinGen allele CA460221997.